The following is an entry in ClinVar:

NM_000059.4(BRCA2):c.7383C>G (p.Asn2461Lys)

Gene: BRCA2 (BRCA2 DNA repair associated; plus strand). Cytogenetic location: 13q13.1.
Variant type: single nucleotide variant.
Coding change: c.7383C>G on transcript NM_000059.4 (MANE Select); coding-DNA position 7383, C replaced by G.
Protein change: p.Asn2461Lys; replaces asparagine 2461 with lysine.
Molecular consequence: missense variant. On other transcripts: non-coding transcript variant (1).
Genome position (GRCh38, 1-based): chr13:32,355,236, C>G. VCF-style: chr13-32355236-C-G. GRCh37 (hg19) VCF-style: chr13-32929373-C-G.
Other names: c.7287C>G, p.Asn2429Lys (NM_001406719.1); c.7383C>G, p.Asn2461Lys (NM_001406720.1); c.2451C>G, p.Asn817Lys (NM_001406721.1); c.966C>G, p.Asn322Lys (NM_001406722.1); short protein forms N322K, N2461K, N817K, N2429K.
Identifiers: ClinVar variation 3261603 (VCV003261603.3).

ClinVar aggregate classification (germline): Uncertain significance. Review status: criteria provided, multiple submitters, no conflicts (2 of 4 stars). 2 submissions from 2 submitters: Uncertain significance (2). Last evaluated 2024-12-10.

Conditions:
Hereditary breast ovarian cancer syndrome. Also called: Hereditary breast and ovarian cancer; Hereditary breast and ovarian cancer syndrome (HBOC); BRCA1- and BRCA2-Associated Hereditary Breast and Ovarian Cancer; Hereditary breast and ovarian cancer syndrome; Hereditary breast and/or ovarian cancer syndrome; Breast and ovarian cancer. Identifiers: Orphanet 145, MedGen C0677776, MeSH D061325, MONDO:0003582. Disease mechanism: loss of function.
Hereditary cancer-predisposing syndrome. Also called: Hereditary Cancer Syndrome; Tumor predisposition; Hereditary neoplastic syndrome; Neoplastic Syndromes, Hereditary. Identifiers: Orphanet 140162, MedGen C0027672, MeSH D009386, MONDO:0015356.

Submissions (2):

Labcorp Genetics (formerly Invitae), Labcorp
Classification: Uncertain significance for Hereditary breast ovarian cancer syndrome. Last evaluated: 2024-12-10. Review status: criteria provided, single submitter. Criteria: Invitae Variant Classification Sherloc (09022015). Collection method: clinical testing. Allele origin: germline.
Comment: This sequence change replaces asparagine, which is neutral and polar, with lysine, which is basic and polar, at codon 2461 of the BRCA2 protein (p.Asn2461Lys). This variant is not present in population databases (gnomAD no frequency). This variant has not been reported in the literature in individuals affected with BRCA2-related conditions. Invitae Evidence Modeling of protein sequence and biophysical properties (such as structural, functional, and spatial information, amino acid conservation, physicochemical variation, residue mobility, and thermodynamic stability) indicates that this missense variant is not expected to disrupt BRCA2 protein function with a negative predictive value of 95%. In summary, the available evidence is currently insufficient to determine the role of this variant in disease. Therefore, it has been classified as a Variant of Uncertain Significance.

Ambry Genetics
Classification: Uncertain significance for Hereditary cancer-predisposing syndrome. Last evaluated: 2024-04-25. Review status: criteria provided, single submitter. Criteria: Ambry Variant Classification Scheme 2023. Collection method: clinical testing. Allele origin: germline.
Comment: The p.N2461K variant (also known as c.7383C>G), located in coding exon 13 of the BRCA2 gene, results from a C to G substitution at nucleotide position 7383. The asparagine at codon 2461 is replaced by lysine, an amino acid with similar properties. This amino acid position is conserved. In addition, this alteration is predicted to be tolerated by in silico analysis. Based on the available evidence, the clinical significance of this variant remains unclear.